The following is an entry in ClinVar:

ClinVar aggregate classification (germline): Likely benign. Review status: criteria provided, multiple submitters, no conflicts (2 of 4 stars). 2 submissions from 2 submitters: Likely benign (2). Last evaluated 2018-01-13.

Conditions:
Transcobalamin II deficiency (TCN2D). Also called: TC II DEFICIENCY; TCN2 DEFICIENCY; Transcolabamin II deficiency. Identifiers: Orphanet 859, MedGen C0342701, MONDO:0010149, OMIM 275350.

Allele frequency attached by ClinVar (database versions not stated): 1000 Genomes Project 0.00280; 1000 Genomes Project 30x 0.00344; TOPMed 0.00405.
gnomAD v4.1: 3,120 of 637,962 alleles (0.49%); highest among the groups gnomAD compares: Middle Eastern, 1.2%; 15 homozygotes.

Submissions (2):

Illumina Laboratory Services, Illumina
Classification: Likely benign for Transcobalamin II deficiency. Last evaluated: 2018-01-13. Review status: criteria provided, single submitter. Criteria: ICSL Variant Classification Criteria 13 December 2019. Collection method: clinical testing. Allele origin: germline.
Comment: This variant was observed in the ICSL laboratory as part of a predisposition screen in an ostensibly healthy population. It had not been previously curated by ICSL or reported in the Human Gene Mutation Database (HGMD: prior to June 1st, 2018), and was therefore a candidate for classification through an automated scoring system. Utilizing variant allele frequency, disease prevalence and penetrance estimates, and inheritance mode, an automated score was calculated to assess if this variant is too frequent to cause the disease. Based on the score and internal cut-off values, a variant classified as likely benign is not then subjected to further curation. The score for this variant resulted in a classification of likely benign for this disease.

Breakthrough Genomics
Classification: Likely benign. Review status: criteria provided, single submitter. Criteria: ACMG Guidelines, 2015. Collection method: not provided. Allele origin: germline. Inheritance: Autosomal recessive inheritance. Affected: yes.

NM_000355.4(TCN2):c.*209G>C

Gene: TCN2 (transcobalamin 2; plus strand). Cytogenetic location: 22q12.2.
Variant type: single nucleotide variant.
Coding change: c.*209G>C on transcript NM_000355.4 (MANE Select); 209 bases downstream of the stop codon, G replaced by C.
Molecular consequence: 3 prime UTR variant.
Genome position (GRCh38, 1-based): chr22:30,626,730, G>C. VCF-style: chr22-30626730-G-C. GRCh37 (hg19) VCF-style: chr22-31022717-G-C.
Other names: c.*209G>C (NM_001184726.2).
Identifiers: ClinVar variation 341220 (VCV000341220.6), dbSNP rs146450057, ClinGen allele CA10645322.